The following is an entry in ClinVar:

NM_033118.4(MYLK2):c.383T>A (p.Val128Glu)

Gene: MYLK2 (myosin light chain kinase 2; plus strand). Cytogenetic location: 20q11.21.
Variant type: single nucleotide variant.
Coding change: c.383T>A on transcript NM_033118.4 (MANE Select); coding-DNA position 383, T replaced by A.
Protein change: p.Val128Glu; replaces valine 128 with glutamic acid.
Molecular consequence: missense variant.
Genome position (GRCh38, 1-based): chr20:31,820,456, T>A. VCF-style: chr20-31820456-T-A. GRCh37 (hg19) VCF-style: chr20-30408259-T-A.
Other names: short protein forms V128E.
Identifiers: ClinVar variation 1183032 (VCV001183032.9), dbSNP rs764494869, ClinGen allele CA9802909.
Genomic context (GRCh38, chr20:31,820,456, plus strand): 5'-TCAAGAAGCCCAAGGCTGAGCAGGGAGCCTCAGGCAGCCAGGATCCTGGAAAGCCCAGGG[T>A]GGGCAAGAAGGCAGCAGAGGGCCAAGCAGCAGCCAGGAGGGGCTCACCTGCCTTTCTGCA-3'
Protein context (NP_149109.1, residues 118-138): SGSQDPGKPR[Val128Glu]GKKAAEGQAA

ClinVar aggregate classification (germline): Uncertain significance. Review status: criteria provided, multiple submitters, no conflicts (2 of 4 stars). 3 submissions from 3 submitters: Uncertain significance (3). Last evaluated 2024-01-10.

Conditions:
Hypertrophic cardiomyopathy 1 (CMH1). Also called: MYH7-Related Familial Hypertrophic Cardiomyopathy; Familial hypertrophic cardiomyopathy 1. Identifiers: MedGen C3495498, MONDO:0008647, OMIM 192600.

Allele frequency attached by ClinVar (database versions not stated): ExAC 0.00001; gnomAD 0.00001; gnomAD exomes 0.00001; TOPMed 0.00001.
gnomAD v4.1: 5 of 1,611,820 alleles (0.00031%); highest among the groups gnomAD compares: South Asian, 0.0011%; no homozygotes.

Submissions (3):

Labcorp Genetics (formerly Invitae), Labcorp
Classification: Uncertain significance for Hypertrophic cardiomyopathy 1. Last evaluated: 2024-01-10. Review status: criteria provided, single submitter. Criteria: Invitae Variant Classification Sherloc (09022015). Collection method: clinical testing. Allele origin: germline.
Comment: This sequence change replaces valine, which is neutral and non-polar, with glutamic acid, which is acidic and polar, at codon 128 of the MYLK2 protein (p.Val128Glu). This variant is present in population databases (rs764494869, gnomAD 0.003%). This variant has not been reported in the literature in individuals affected with MYLK2-related conditions. ClinVar contains an entry for this variant (Variation ID: 1183032). Advanced modeling of protein sequence and biophysical properties (such as structural, functional, and spatial information, amino acid conservation, physicochemical variation, residue mobility, and thermodynamic stability) performed at Invitae indicates that this missense variant is not expected to disrupt MYLK2 protein function with a negative predictive value of 80%. In summary, the available evidence is currently insufficient to determine the role of this variant in disease. Therefore, it has been classified as a Variant of Uncertain Significance.

Ambry Genetics
Classification: Uncertain significance. Last evaluated: 2023-05-26. Review status: criteria provided, single submitter. Criteria: Ambry Variant Classification Scheme 2023. Collection method: clinical testing. Allele origin: germline.
Comment: The p.V128E variant (also known as c.383T>A), located in coding exon 2 of the MYLK2 gene, results from a T to A substitution at nucleotide position 383. The valine at codon 128 is replaced by glutamic acid, an amino acid with dissimilar properties. This amino acid position is conserved. In addition, this alteration is predicted to be tolerated by in silico analysis. Since supporting evidence is limited at this time, the clinical significance of this alteration remains unclear.

GeneDx
Classification: Uncertain significance. Last evaluated: 2019-08-15. Review status: criteria provided, single submitter. Criteria: GeneDx Variant Classification Process June 2021. Collection method: clinical testing. Allele origin: germline. Affected: yes.
Comment: Has not been previously published as pathogenic or benign to our knowledge; Not observed at a significant frequency in large population cohorts (Lek et al., 2016); In silico analysis, which includes protein predictors and evolutionary conservation, supports that this variant does not alter protein structure/function